The following is an entry in ClinVar:

NM_031471.6(FERMT3):c.619C>G (p.Pro207Ala)

Gene: FERMT3 (FERM domain containing kindlin 3; plus strand). Cytogenetic location: 11q13.1.
Variant type: single nucleotide variant.
Coding change: c.619C>G on transcript NM_031471.6 (MANE Select); coding-DNA position 619, C replaced by G.
Protein change: p.Pro207Ala; replaces proline 207 with alanine.
Molecular consequence: missense variant.
Genome position (GRCh38, 1-based): chr11:64,211,379, C>G. VCF-style: chr11-64211379-C-G. GRCh37 (hg19) VCF-style: chr11-63978851-C-G.
Other names: c.619C>G, p.Pro207Ala (NM_001382361.1, NM_001382362.1, NM_001382448.1 and 1 more transcripts); c.79C>G, p.Pro27Ala (NM_001382363.1, NM_001382364.1); short protein forms P207A, P27A.
Identifiers: ClinVar variation 2047383 (VCV002047383.4), dbSNP rs2495974623, ClinGen allele CA381082580.
Genomic context (GRCh38, chr11:64,211,379, plus strand): 5'-GACAGCGCCCAGACTGAGGCCTGCTACCACATGCTGAGCCGGCCCCAGCCGCCACCCGAC[C>G]CCCTCCTGCTCCAGCGTCTGCCACGGCCCAGCTCCCTGTCAGACAAGACCCAGCTCCACA-3'
Protein context (NP_113659.3, residues 197-217): MLSRPQPPPD[Pro207Ala]LLLQRLPRPS

ClinVar aggregate classification (germline): Uncertain significance (1 of 4 stars; one submission).

Conditions:
Leukocyte adhesion deficiency 3. Also called: Leukocyte adhesion deficiency, type III; INTEGRIN ACTIVATION DEFICIENCY DISEASE; LEUKOCYTE ADHESION DEFICIENCY 1 VARIANT. Identifiers: Orphanet 2968, Orphanet 99844, MedGen C2748536, MONDO:0013016, OMIM 612840.

Submission:

Labcorp Genetics (formerly Invitae), Labcorp
Classification: Uncertain significance for Leukocyte adhesion deficiency 3. Last evaluated: 2021-12-18. Review status: criteria provided, single submitter. Criteria: Invitae Variant Classification Sherloc (09022015). Collection method: clinical testing. Allele origin: germline.
Comment: In summary, the available evidence is currently insufficient to determine the role of this variant in disease. Therefore, it has been classified as a Variant of Uncertain Significance. Algorithms developed to predict the effect of missense changes on protein structure and function are either unavailable or do not agree on the potential impact of this missense change (SIFT: "Tolerated"; PolyPhen-2: "Possibly Damaging"; Align-GVGD: "Class C0"). This variant has not been reported in the literature in individuals affected with FERMT3-related conditions. This variant is not present in population databases (gnomAD no frequency). This sequence change replaces proline, which is neutral and non-polar, with alanine, which is neutral and non-polar, at codon 207 of the FERMT3 protein (p.Pro207Ala).